The following is an entry in ClinVar:

NM_000093.5(COL5A1):c.1720-12A>C

Gene: COL5A1 (collagen type V alpha 1 chain; plus strand). Cytogenetic location: 9q34.3.
Variant type: single nucleotide variant.
Coding change: c.1720-12A>C on transcript NM_000093.5 (MANE Select); 12 bases into the intron before coding-DNA position 1720, A replaced by C.
Molecular consequence: intron variant.
Genome position (GRCh38, 1-based): chr9:134,753,838, A>C. VCF-style: chr9-134753838-A-C. GRCh37 (hg19) VCF-style: chr9-137645684-A-C.
Other names: c.1720-12A>C (NM_001278074.1, NM_000093.4).
Identifiers: ClinVar variation 1646012 (VCV001646012.10), dbSNP rs372891725, ClinGen allele CA5318935.
Genomic context (GRCh38, chr9:134,753,838, plus strand): 5'-CCACCCCCAGCCCTTCCTGTGTTCTCGAGTCCCCACCTCGAGCAGACATTAACACACACC[A>C]TGTCTCCCTAGGGTCCCCCTGGGAGCGGAGGTTTGAAGGGCGAGCCGGGAGACGTGGGGC-3'

ClinVar aggregate classification (germline): Likely benign. Review status: criteria provided, single submitter (1 of 4 stars). 2 submissions from 2 submitters: Likely benign (1). 1 of the submissions does not count toward it. Last evaluated 2025-08-18.

Conditions:
Ehlers-Danlos syndrome, classic type, 1 (EDSCL1). Also called: EDS I; Ehlers-Danlos syndrome, type 1; EHLERS-DANLOS SYNDROME, GRAVIS TYPE; EHLERS-DANLOS SYNDROME, SEVERE CLASSIC TYPE; Ehlers-Danlos Syndrome, Classic Type, COL5A1-Related. Identifiers: MedGen C0268335, MONDO:0019567, OMIM 130000.
COL5A1-related disorder. Also called: COL5A1-related condition.

Allele frequency attached by ClinVar (database versions not stated): gnomAD exomes 0.00006 and 0.00001; ExAC 0.00007; ESP Exome Variant Server 0.00023; gnomAD 0.00013 and 0.00017; 1000 Genomes Project 30x 0.00125; 1000 Genomes Project 0.00100.
gnomAD v4.1: 42 of 1,481,112 alleles (0.0028%); highest among the groups gnomAD compares: African/African-American, 0.047%; no homozygotes.

Submissions (2):

Labcorp Genetics (formerly Invitae), Labcorp
Classification: Likely benign for Ehlers-Danlos syndrome, classic type, 1. Last evaluated: 2025-08-18. Review status: criteria provided, single submitter. Criteria: Invitae Variant Classification Sherloc (09022015). Collection method: clinical testing. Allele origin: germline.

PreventionGenetics, part of Exact Sciences
Classification: Likely benign for COL5A1-related condition. Last evaluated: 2023-07-21. Review status: no assertion criteria provided. Collection method: clinical testing. Allele origin: germline. Not counted in ClinVar's aggregate classification.
Comment: This variant is classified as likely benign based on ACMG/AMP sequence variant interpretation guidelines (Richards et al. 2015 PMID: 25741868, with internal and published modifications).